The following is an entry in ClinVar:

NM_152564.5(VPS13B):c.9517C>T (p.Gln3173Ter)

Gene: VPS13B (vacuolar protein sorting 13 homolog B; plus strand). Cytogenetic location: 8q22.2.
Variant type: single nucleotide variant.
Coding change: c.9517C>T on transcript NM_152564.5 (MANE Select); coding-DNA position 9517, C replaced by T.
Protein change: p.Gln3173Ter; replaces glutamine 3173 with a stop codon.
Molecular consequence: nonsense.
Genome position (GRCh38, 1-based): chr8:99,832,555, C>T. VCF-style: chr8-99832555-C-T. GRCh37 (hg19) VCF-style: chr8-100844783-C-T.
Other names: c.9592C>T, p.Gln3198Ter (NM_017890.5); short protein forms Q3173*, Q3198*.
Identifiers: ClinVar variation 438591 (VCV000438591.1), dbSNP rs1554573990, ClinGen allele CA371781788.
Genomic context (GRCh38, chr8:99,832,555, plus strand): 5'-TCCCTGCTTCAGAAACAGATCATGCTGGGCTTTTCTCCTGCCCCAGGTGCTGACAGCTCA[C>T]AGTGCTGGAGCCTGCCAGCTATAGTTAGACCAGAGTTTCCCAGACAGAGTGTGGCAGTAC-3'

ClinVar aggregate classification (germline): Uncertain significance (1 of 4 stars; one submission).

Conditions:
Cohen syndrome (COH1). Also called: Cutis verticis gyrata, retinitis pigmentosa, and sensorineural deafness; PEPPER SYNDROME. Identifiers: Orphanet 193, MedGen C0265223, MONDO:0008999, OMIM 216550.

Submission:

Lupski Lab, Baylor-Hopkins CMG, Baylor College of Medicine
Classification: Uncertain significance for Cohen syndrome. Last evaluated: 2017-09-01. Review status: criteria provided, single submitter. Criteria: Wiszniewski et al. (Eur J Hum Genet. 2018). Collection method: research. Allele origin: inherited, unknown. Inheritance: Autosomal recessive inheritance. Affected: yes and no. Observed: 2 variant alleles.